The following is an entry in ClinVar:

NM_004329.3(BMPR1A):c.451A>G (p.Ile151Val)

Gene: BMPR1A (bone morphogenetic protein receptor type 1A; plus strand). Cytogenetic location: 10q23.2.
Variant type: single nucleotide variant.
Coding change: c.451A>G on transcript NM_004329.3 (MANE Select); coding-DNA position 451, A replaced by G.
Protein change: p.Ile151Val; replaces isoleucine 151 with valine.
Molecular consequence: missense variant. On other transcripts: non-coding transcript variant (3), intron variant (1).
Genome position (GRCh38, 1-based): chr10:86,900,047, A>G. VCF-style: chr10-86900047-A-G. GRCh37 (hg19) VCF-style: chr10-88659804-A-G.
Other names: c.367A>G, p.Ile123Val (NM_001406585.1, NM_001406586.1, NM_001406587.1 and 2 more transcripts); c.333+7818A>G (NM_001406589.1); c.451A>G, p.Ile151Val (NM_001406566.1, NM_001406567.1, NM_001406568.1 and 22 more transcripts); short protein forms I123V, I151V.
Identifiers: ClinVar variation 5032966 (VCV005032966.1).
Genomic context (GRCh38, chr10:86,900,047, plus strand): 5'-TTTCATTTCAATTGTTTACATTGTTTACTTTTATTGTCAGGTCCGTTTTTTGATGGCAGC[A>G]TTCGATGGCTGGTTTTGCTCATTTCTATGGCTGTCTGCATAATTGCTATGATCATCTTCT-3'
Protein context (NP_004320.2, residues 141-161): VVIGPFFDGS[Ile151Val]RWLVLLISMA

ClinVar aggregate classification (germline): Uncertain significance (1 of 4 stars; one submission).

Conditions:
Hereditary cancer-predisposing syndrome. Also called: Neoplastic Syndromes, Hereditary; Tumor predisposition; Hereditary neoplastic syndrome; Hereditary Cancer Syndrome. Identifiers: Orphanet 140162, MedGen C0027672, MeSH D009386, MONDO:0015356.

Submission:

Ambry Genetics
Classification: Uncertain significance for Hereditary cancer-predisposing syndrome. Last evaluated: 2026-07-06. Review status: criteria provided, single submitter. Criteria: Ambry Variant Classification Scheme 2023. Collection method: clinical testing. Allele origin: germline.
Comment: The p.I151V variant (also known as c.451A>G), located in coding exon 5 of the BMPR1A gene, results from an A to G substitution at nucleotide position 451. The isoleucine at codon 151 is replaced by valine, an amino acid with highly similar properties. This amino acid position is conserved. In addition, this alteration is predicted to be tolerated by in silico analysis. Based on the available evidence, the clinical significance of this variant remains unclear.